The following is an entry in ClinVar:

ClinVar aggregate classification (germline): Uncertain significance (1 of 4 stars; one submission).

gnomAD v4.1: 7 of 1,606,704 alleles (0.00044%); highest among the groups gnomAD compares: Non-Finnish European, 0.00059%; no homozygotes.

Submission:

Labcorp Genetics (formerly Invitae), Labcorp
Classification: Uncertain significance. Last evaluated: 2025-07-06. Review status: criteria provided, single submitter. Criteria: Invitae Variant Classification Sherloc (09022015). Collection method: clinical testing. Allele origin: germline.
Comment: This sequence change replaces alanine, which is neutral and non-polar, with glutamic acid, which is acidic and polar, at codon 1196 of the PCNT protein (p.Ala1196Glu). This variant is not present in population databases (gnomAD no frequency). This variant has not been reported in the literature in individuals affected with PCNT-related conditions. An algorithm developed to predict the effect of missense changes on protein structure and function (PolyPhen-2) suggests that this variant is likely to be tolerated. In summary, the available evidence is currently insufficient to determine the role of this variant in disease. Therefore, it has been classified as a Variant of Uncertain Significance.

NM_006031.6(PCNT):c.3587C>A (p.Ala1196Glu)

Gene: PCNT (pericentrin; plus strand). Cytogenetic location: 21q22.3.
Variant type: single nucleotide variant.
Coding change: c.3587C>A on transcript NM_006031.6 (MANE Select); coding-DNA position 3587, C replaced by A.
Protein change: p.Ala1196Glu; replaces alanine 1196 with glutamic acid.
Molecular consequence: missense variant.
Genome position (GRCh38, 1-based): chr21:46,388,864, C>A. VCF-style: chr21-46388864-C-A. GRCh37 (hg19) VCF-style: chr21-47808779-C-A.
Other names: c.3233C>A, p.Ala1078Glu (NM_001315529.2); short protein forms A1078E, A1196E.
Identifiers: ClinVar variation 4739757 (VCV004739757.1).